The following is an entry in ClinVar:

NM_025114.4(CEP290):c.2268A>G (p.Ser756=)

Gene: CEP290 (centrosomal protein 290; minus strand). Cytogenetic location: 12q21.32.
Variant type: single nucleotide variant.
Coding change: c.2268A>G on transcript NM_025114.4 (MANE Select); coding-DNA position 2268, A replaced by G.
Protein change: p.Ser756=; no amino-acid change (serine 756 retained).
Molecular consequence: synonymous variant.
Genome position (GRCh38, 1-based): chr12:88,111,301, T>C on the plus strand (A>G on the coding strand, the complement: CEP290 is on the minus strand). VCF-style: chr12-88111301-T-C. GRCh37 (hg19) VCF-style: chr12-88505078-T-C.
Other names: p.Ser756=; c.2268G= (NM_025114.3).
Identifiers: ClinVar variation 126249 (VCV000126249.29), dbSNP rs2468255, ClinGen allele CA150894.

ClinVar aggregate classification (germline): Benign. Review status: criteria provided, multiple submitters, no conflicts (2 of 4 stars). 13 submissions from 10 submitters: Benign (9). 4 of the submissions do not count toward it. Last evaluated 2026-02-04.

Conditions:
Retinal dystrophy. Also called: Inherited retinal dystrophy. Identifiers: Orphanet 71862, MedGen C0854723, MeSH D058499, MONDO:0019118, HP:0000556.
Meckel syndrome, type 4 (MKS4). Also called: MECKEL-GRUBER SYNDROME, TYPE 4. Identifiers: Orphanet 564, MedGen C1970161, MONDO:0012626, OMIM 611134.
Leber congenital amaurosis (LCA). Also called: Leber's amaurosis. Identifiers: Orphanet 65, MedGen C0339527, MeSH D057130, MONDO:0018998.
Bardet-Biedl syndrome 14 (BBS14). Identifiers: Orphanet 110, MedGen C2673874, MONDO:0014442, OMIM 615991.
Senior-Loken syndrome 6 (SLSN6). Identifiers: Orphanet 3156, MedGen C1857779, MONDO:0012433, OMIM 610189.
Joubert syndrome. Also called: Familial aplasia of the vermis; JOUBERT-BOLTSHAUSER SYNDROME. Identifiers: Orphanet 475, MedGen C5979921, MONDO:0018772.
Meckel-Gruber syndrome. Also called: Dysencephalia splachnocystica; GRUBER SYNDROME; DYSENCEPHALIA SPLANCHNOCYSTICA. Identifiers: Orphanet 564, MedGen C0265215, MONDO:0018921.
Nephronophthisis. Also called: Juvenile Nephronophthisis. Identifiers: Orphanet 655, MedGen C0687120, MONDO:0019005, HP:0000090.
Joubert syndrome 5 (JBTS5). Identifiers: Orphanet 2318, MedGen C1857780, MONDO:0012432, OMIM 610188.

Allele frequency attached by ClinVar (database versions not stated): 1000 Genomes Project 30x 0.75718; TOPMed 0.75935; 1000 Genomes Project 0.76458; ESP Exome Variant Server 0.77127; gnomAD exomes 0.91372.
gnomAD v4.1: 1,402,528 of 1,558,632 alleles (90%); highest among the groups gnomAD compares: East Asian, 96%; 641,375 homozygotes.

Submissions (13):

Labcorp Genetics (formerly Invitae), Labcorp
Classification: Benign for Joubert syndrome; Meckel-Gruber syndrome; Nephronophthisis. Last evaluated: 2026-02-04. Review status: criteria provided, single submitter. Criteria: Invitae Variant Classification Sherloc (09022015). Collection method: clinical testing. Allele origin: germline.

Blueprint Genetics
Classification: Benign. Last evaluated: 2024-11-27. Review status: criteria provided, single submitter. Criteria: ACMG Guidelines, 2015. Collection method: clinical testing. Allele origin: germline.

Dept Of Ophthalmology, Nagoya University
Classification: Benign for Retinal dystrophy. Last evaluated: 2023-10-01. Review status: criteria provided, single submitter. Criteria: Submitter's publication. Collection method: research. Allele origin: germline. Affected: yes.

Mayo Clinic Laboratories, Mayo Clinic
Classification: Benign. Last evaluated: 2022-03-09. Review status: criteria provided, single submitter. Criteria: ACMG Guidelines, 2015. Collection method: clinical testing. Allele origin: germline. Observed: 173 variant alleles.

Genome-Nilou Lab
Classification: Benign for Bardet-Biedl syndrome 14. Last evaluated: 2021-07-22. Review status: criteria provided, single submitter. Criteria: ACMG Guidelines, 2015. Collection method: clinical testing. Allele origin: germline. Affected: no.

Genome-Nilou Lab
Classification: Benign for Joubert syndrome 5. Last evaluated: 2021-07-22. Review status: criteria provided, single submitter. Criteria: ACMG Guidelines, 2015. Collection method: clinical testing. Allele origin: germline. Affected: no.

Genome-Nilou Lab
Classification: Benign for Meckel syndrome, type 4. Last evaluated: 2021-07-22. Review status: criteria provided, single submitter. Criteria: ACMG Guidelines, 2015. Collection method: clinical testing. Allele origin: germline. Affected: no.

Genome-Nilou Lab
Classification: Benign for Senior-Loken syndrome 6. Last evaluated: 2021-07-22. Review status: criteria provided, single submitter. Criteria: ACMG Guidelines, 2015. Collection method: clinical testing. Allele origin: germline. Affected: no.

Breakthrough Genomics
Classification: Benign. Review status: criteria provided, single submitter. Criteria: ACMG Guidelines, 2015. Collection method: not provided. Allele origin: germline. Inheritance: Autosomal recessive inheritance. Affected: yes.

Natera, Inc.
Classification: Benign for Leber congenital amaurosis. Last evaluated: 2020-09-16. Review status: no assertion criteria provided. Collection method: clinical testing. Allele origin: germline. Not counted in ClinVar's aggregate classification.

Clinical Genetics DNA and cytogenetics Diagnostics Lab, Erasmus MC, Erasmus Medical Center
Classification: Benign. Review status: no assertion criteria provided. Collection method: clinical testing. Allele origin: germline. Affected: yes. Study: VKGL Data-share Consensus. Not counted in ClinVar's aggregate classification.

Diagnostic Laboratory, Department of Genetics, University Medical Center Groningen
Classification: Benign. Review status: no assertion criteria provided. Collection method: clinical testing. Allele origin: germline. Affected: yes. Study: VKGL Data-share Consensus. Not counted in ClinVar's aggregate classification.

Genetic Services Laboratory, University of Chicago
Classification: Likely benign for AllHighlyPenetrant. Review status: no assertion criteria provided. Collection method: clinical testing. Allele origin: germline. Inheritance: Autosomal recessive inheritance. Observed: 591 variant alleles. Not counted in ClinVar's aggregate classification.
Comment: Likely benign based on allele frequency in 1000 Genomes Project or ESP global frequency and its presence in a patient with a rare or unrelated disease phenotype. NOT Sanger confirmed.